The following is an entry in ClinVar:

NM_033026.6(PCLO):c.6119del (p.His2040fs)

Gene: PCLO (piccolo presynaptic cytomatrix protein; minus strand). Cytogenetic location: 7q21.11.
Variant type: Deletion.
Coding change: c.6119del on transcript NM_033026.6 (MANE Select); coding-DNA position 6119, one base deleted (A; older notation c.6119delA).
Protein change: p.His2040fs; shifts the reading frame from histidine 2040.
Molecular consequence: frameshift variant.
Genome position (GRCh38, 1-based): chr7:82,954,834, T deleted on the plus strand (A on the coding strand, the reverse complement: PCLO is on the minus strand). VCF-style (leftmost placement, unchanged base first): chr7-82954833-AT-A. GRCh37 (hg19) VCF-style: chr7-82584149-AT-A.
Other names: c.6119del, p.His2040fs (NM_014510.3); short protein forms H2040fs.
Identifiers: ClinVar variation 2027971 (VCV002027971.4), dbSNP rs2535704000, ClinGen allele CA2580077428.
Genomic context (GRCh38, chr7:82,954,833, plus strand): 5'-ATCTAGTAGTTTCCTTTCTTCTTCTGTAGAAGTTACCATAGTACCCAGGTCCACTATCTC[AT>A]GGCTTTCTGGGATGATAAAAGAGCTTGAAACAATATCTTCCTGAGGCACAACAGAATGTA-3'

ClinVar aggregate classification (germline): Pathogenic (1 of 4 stars; one submission).

Submission:

Labcorp Genetics (formerly Invitae), Labcorp
Classification: Pathogenic. Last evaluated: 2022-09-27. Review status: criteria provided, single submitter. Criteria: Invitae Variant Classification Sherloc (09022015). Collection method: clinical testing. Allele origin: germline.
Comment: For these reasons, this variant has been classified as Pathogenic. This variant has not been reported in the literature in individuals affected with PCLO-related conditions. This variant is not present in population databases (gnomAD no frequency). This sequence change creates a premature translational stop signal (p.His2040Leufs*3) in the PCLO gene. It is expected to result in an absent or disrupted protein product. Loss-of-function variants in PCLO are known to be pathogenic (PMID: 25832664, 30287594).

Literature cited by the submitters: PubMed 25832664; PubMed 30287594.